The following is an entry in ClinVar:

NM_001854.4(COL11A1):c.1573-15T>C

Gene: COL11A1 (collagen type XI alpha 1 chain; minus strand). Cytogenetic location: 1p21.1.
Variant type: single nucleotide variant.
Coding change: c.1573-15T>C on transcript NM_001854.4 (MANE Select); 15 bases into the intron before coding-DNA position 1573, T replaced by C.
Molecular consequence: intron variant.
Genome position (GRCh38, 1-based): chr1:103,012,484, A>G on the plus strand (T>C on the coding strand, the complement: COL11A1 is on the minus strand). VCF-style: chr1-103012484-A-G. GRCh37 (hg19) VCF-style: chr1-103478040-A-G.
Other names: c.1456-15T>C (NM_001190709.2); c.1609-15T>C (NM_080629.3); c.1225-15T>C (NM_080630.4).
Identifiers: ClinVar variation 514844 (VCV000514844.8), dbSNP rs772291375, ClinGen allele CA974920.

ClinVar aggregate classification (germline): Likely benign. Review status: criteria provided, multiple submitters, no conflicts (2 of 4 stars). 2 submissions from 2 submitters: Likely benign (2). Last evaluated 2025-12-13.

Allele frequency attached by ClinVar (database versions not stated): gnomAD below 0.00001 and 0.00001; gnomAD exomes 0.00002 and 0.00004; ExAC 0.00003.
gnomAD v4.1: 31 of 1,603,536 alleles (0.0019%); highest among the groups gnomAD compares: South Asian, 0.029%; no homozygotes.

Submissions (2):

Labcorp Genetics (formerly Invitae), Labcorp
Classification: Likely benign. Last evaluated: 2025-12-13. Review status: criteria provided, single submitter. Criteria: Invitae Variant Classification Sherloc (09022015). Collection method: clinical testing. Allele origin: germline.

GeneDx
Classification: Likely benign. Last evaluated: 2018-01-18. Review status: criteria provided, single submitter. Criteria: GeneDx Variant Classification (06012015). Collection method: clinical testing. Allele origin: germline. Affected: yes.
Comment: This variant is considered likely benign or benign based on one or more of the following criteria: it is a conservative change, it occurs at a poorly conserved position in the protein, it is predicted to be benign by multiple in silico algorithms, and/or has population frequency not consistent with disease.